The following is an entry in ClinVar:

NM_203447.4(DOCK8):c.1619C>A (p.Pro540Gln)

Gene: DOCK8 (dedicator of cytokinesis 8; plus strand). Cytogenetic location: 9p24.3.
Variant type: single nucleotide variant.
Coding change: c.1619C>A on transcript NM_203447.4 (MANE Select); coding-DNA position 1619, C replaced by A.
Protein change: p.Pro540Gln; replaces proline 540 with glutamine.
Molecular consequence: missense variant.
Genome position (GRCh38, 1-based): chr9:340,261, C>A. VCF-style: chr9-340261-C-A. GRCh37 (hg19) VCF-style: chr9-340261-C-A.
Other names: c.1415C>A, p.Pro472Gln (NM_001190458.2, NM_001193536.2); short protein forms P472Q, P540Q.
Identifiers: ClinVar variation 2122829 (VCV002122829.4), dbSNP rs377334031, ClinGen allele CA372755769.
Genomic context (GRCh38, chr9:340,261, plus strand): 5'-ATTGCTGTCTGACTCCTGAAATGCTGCCCGTGAAACCCTTTCCTGAAAACCGGACACGCC[C>A]GCACAAAGAGATTTTGGAATTTCCAACACGAGAAGTATATGTCCCTCACACTGTGTACAG-3'
Protein context (NP_982272.2, residues 530-550): VKPFPENRTR[Pro540Gln]HKEILEFPTR

ClinVar aggregate classification (germline): Uncertain significance (1 of 4 stars; one submission).

Conditions:
Combined immunodeficiency due to DOCK8 deficiency (HIES2). Also called: HIES autosomal recessive; DOCK8 Deficiency; Hyper-IgE recurrent infection syndrome, autosomal recessive; HYPER-IgE SYNDROME 2, AUTOSOMAL RECESSIVE, WITH RECURRENT INFECTIONS; HYPER-IgE RECURRENT INFECTION SYNDROME 2, AUTOSOMAL RECESSIVE. Identifiers: Orphanet 217390, MedGen C4722305, MONDO:0009478, OMIM 243700.

Submission:

Labcorp Genetics (formerly Invitae), Labcorp
Classification: Uncertain significance for Combined immunodeficiency due to DOCK8 deficiency. Last evaluated: 2022-04-18. Review status: criteria provided, single submitter. Criteria: Invitae Variant Classification Sherloc (09022015). Collection method: clinical testing. Allele origin: germline.
Comment: This sequence change replaces proline, which is neutral and non-polar, with glutamine, which is neutral and polar, at codon 540 of the DOCK8 protein (p.Pro540Gln). This variant is not present in population databases (gnomAD no frequency). This variant has not been reported in the literature in individuals affected with DOCK8-related conditions. Algorithms developed to predict the effect of missense changes on protein structure and function are either unavailable or do not agree on the potential impact of this missense change (SIFT: "Tolerated"; PolyPhen-2: "Probably Damaging"; Align-GVGD: "Class C0"). In summary, the available evidence is currently insufficient to determine the role of this variant in disease. Therefore, it has been classified as a Variant of Uncertain Significance.